The following is an entry in ClinVar:

NM_002691.4(POLD1):c.1450G>A (p.Glu484Lys)

Gene: POLD1 (DNA polymerase delta 1, catalytic subunit; plus strand). Cytogenetic location: 19q13.33.
Variant type: single nucleotide variant.
Coding change: c.1450G>A on transcript NM_002691.4 (MANE Select); coding-DNA position 1450, G replaced by A.
Protein change: p.Glu484Lys; replaces glutamic acid 484 with lysine.
Molecular consequence: missense variant. On other transcripts: non-coding transcript variant (1).
Genome position (GRCh38, 1-based): chr19:50,406,473, G>A. VCF-style: chr19-50406473-G-A. GRCh37 (hg19) VCF-style: chr19-50909730-G-A.
Other names: c.1450G>A, p.Glu484Lys (NM_001256849.1, NM_001308632.1); short protein forms E484K.
Identifiers: ClinVar variation 639298 (VCV000639298.16), dbSNP rs1426671575, ClinGen allele CA406980225.
Genomic context (GRCh38, chr19:50,406,473, plus strand): 5'-CTGCGGGAGTACAAGCTCCGCTCCTACACGCTCAATGCCGTGAGCTTCCACTTCCTGGGC[G>A]AGCAGAAGGAGGACGTGCAGCACAGCATCATCACCGACCTGCAGGTGCCTGCTGCCTCCC-3'
Protein context (NP_002682.2, residues 474-494): LNAVSFHFLG[Glu484Lys]QKEDVQHSII

ClinVar aggregate classification (germline): Uncertain significance. Review status: criteria provided, multiple submitters, no conflicts (2 of 4 stars). 4 submissions from 4 submitters: Uncertain significance (4). Last evaluated 2025-12-13.

Conditions:
Hereditary cancer-predisposing syndrome. Also called: Hereditary neoplastic syndrome; Tumor predisposition; Hereditary Cancer Syndrome; Neoplastic Syndromes, Hereditary. Identifiers: Orphanet 140162, MedGen C0027672, MeSH D009386, MONDO:0015356.
Polymerase proofreading-related adenomatous polyposis. Also called: Polymerase proofreading associated polyposis; Polymerase proofreading–associated polyposis (PPAP). Identifiers: Orphanet 447877, MedGen C5202613, MONDO:0018653.
Familial colorectal cancer type X. Identifiers: Orphanet 440437, MedGen C3896578, MONDO:0018604.
POLD1-related polyposis and colorectal cancer syndrome (CRCS10). Also called: Colorectal cancer, susceptibility to, 10; Colorectal cancer 10; COLORECTAL CANCER, SUSCEPTIBILITY TO, ON CHROMOSOME 19q. Identifiers: Orphanet 220460, MedGen C2675481, MONDO:0012953, OMIM 612591.

Submissions (4):

Ambry Genetics
Classification: Uncertain significance for Hereditary cancer-predisposing syndrome. Last evaluated: 2025-12-13. Review status: criteria provided, single submitter. Criteria: Ambry Variant Classification Scheme 2023. Collection method: clinical testing. Allele origin: germline.
Comment: The p.E484K variant (also known as c.1450G>A), located in coding exon 11 of the POLD1 gene, results from a G to A substitution at nucleotide position 1450. The glutamic acid at codon 484 is replaced by lysine, an amino acid with similar properties. This amino acid position is highly conserved in available vertebrate species. In addition, the in silico prediction for this alteration is inconclusive. Since supporting evidence is limited at this time, the clinical significance of this alteration remains unclear.

Labcorp Genetics (formerly Invitae), Labcorp
Classification: Uncertain significance for POLD1-related polyposis and colorectal cancer syndrome. Last evaluated: 2025-10-08. Review status: criteria provided, single submitter. Criteria: Invitae Variant Classification Sherloc (09022015). Collection method: clinical testing. Allele origin: germline.
Comment: This sequence change replaces glutamic acid, which is acidic and polar, with lysine, which is basic and polar, at codon 484 of the POLD1 protein (p.Glu484Lys). This variant is not present in population databases (gnomAD no frequency). This variant has not been reported in the literature in individuals affected with POLD1-related conditions. ClinVar contains an entry for this variant (Variation ID: 639298). Invitae Evidence Modeling of protein sequence and biophysical properties (such as structural, functional, and spatial information, amino acid conservation, physicochemical variation, residue mobility, and thermodynamic stability) indicates that this missense variant is not expected to disrupt POLD1 protein function with a negative predictive value of 80%. In summary, the available evidence is currently insufficient to determine the role of this variant in disease. Therefore, it has been classified as a Variant of Uncertain Significance.

GeneDx
Classification: Uncertain significance. Last evaluated: 2024-01-09. Review status: criteria provided, single submitter. Criteria: GeneDx Variant Classification Process June 2021. Collection method: clinical testing. Allele origin: germline. Affected: yes.
Comment: Not observed at significant frequency in large population cohorts (gnomAD); In silico analysis supports that this missense variant has a deleterious effect on protein structure/function; Has not been previously published as pathogenic or benign to our knowledge; This variant is associated with the following publications: (PMID: 20951805)

Department of Pathology and Laboratory Medicine, Sinai Health System
Classification: Uncertain significance for Polymerase proofreading-related adenomatous polyposis; Familial colorectal cancer type X. Last evaluated: 2022-10-18. Review status: criteria provided, single submitter. Criteria: ACMG Guidelines, 2015. Collection method: clinical testing. Allele origin: germline. Affected: yes.